The following is an entry in ClinVar:

NM_000038.6(APC):c.8144C>T (p.Thr2715Ile)

Gene: APC (APC regulator of Wnt signaling pathway; plus strand). Cytogenetic location: 5q22.2.
Variant type: single nucleotide variant.
Coding change: c.8144C>T on transcript NM_000038.6 (MANE Select); coding-DNA position 8144, C replaced by T.
Protein change: p.Thr2715Ile; replaces threonine 2715 with isoleucine.
Molecular consequence: missense variant.
Genome position (GRCh38, 1-based): chr5:112,843,738, C>T. VCF-style: chr5-112843738-C-T. GRCh37 (hg19) VCF-style: chr5-112179435-C-T.
Other names: c.8144C>T, p.Thr2715Ile (NM_001127510.3, NM_001354895.2); c.8090C>T, p.Thr2697Ile (NM_001127511.3); c.8198C>T, p.Thr2733Ile (NM_001354896.2); c.8174C>T, p.Thr2725Ile (NM_001354897.2); c.8069C>T, p.Thr2690Ile (NM_001354898.2); c.8060C>T, p.Thr2687Ile (NM_001354899.2); c.8021C>T, p.Thr2674Ile (NM_001354900.2); c.7967C>T, p.Thr2656Ile (NM_001354901.2); and 5 more; short protein forms T2715I, T2697I, T2589I, T2614I, T2624I, T2656I, T2725I, T2555I.
Identifiers: ClinVar variation 135722 (VCV000135722.11), dbSNP rs587780605, ClinGen allele CA014384.
Genomic context (GRCh38, chr5:112,843,738, plus strand): 5'-AAGATTCAAAAGATAATCAGGCAAAACAAAATGTGGGTAATGGCAGTGTTCCCATGCGTA[C>T]CGTGGGTTTGGAAAATCGCCTGAACTCCTTTATTCAGGTGGATGCCCCTGACCAAAAAGG-3'
Protein context (NP_000029.2, residues 2705-2725): NVGNGSVPMR[Thr2715Ile]VGLENRLNSF

ClinVar aggregate classification (germline): Uncertain significance. Review status: criteria provided, multiple submitters, no conflicts (2 of 4 stars). 4 submissions from 4 submitters: Uncertain significance (4). Last evaluated 2026-07-11.

Conditions:
Hereditary cancer-predisposing syndrome. Also called: Tumor predisposition; Hereditary neoplastic syndrome; Hereditary Cancer Syndrome; Neoplastic Syndromes, Hereditary. Identifiers: Orphanet 140162, MedGen C0027672, MeSH D009386, MONDO:0015356.
Familial adenomatous polyposis 1 (FAP1). Also called: POLYPOSIS, ADENOMATOUS INTESTINAL; FAMILIAL ADENOMATOUS POLYPOSIS 1, ATTENUATED. Identifiers: MedGen C2713442, MONDO:0021056, OMIM 175100. Disease mechanism: loss of function.

Submissions (4):

Ambry Genetics
Classification: Uncertain significance for Hereditary cancer-predisposing syndrome. Last evaluated: 2026-07-11. Review status: criteria provided, single submitter. Criteria: Ambry Variant Classification Scheme 2023. Collection method: clinical testing. Allele origin: germline.
Comment: The p.T2715I variant (also known as c.8144C>T), located in coding exon 15 of the APC gene, results from a C to T substitution at nucleotide position 8144. The threonine at codon 2715 is replaced by isoleucine, an amino acid with similar properties. This amino acid position is conserved. In addition, in silico predictors for this gene do not accurately predict pathogenicity. Based on the available evidence, the clinical significance of this variant remains unclear.

Baylor Genetics
Classification: Uncertain significance for Familial adenomatous polyposis 1. Last evaluated: 2023-12-18. Review status: criteria provided, single submitter. Criteria: ACMG Guidelines, 2015. Collection method: clinical testing. Allele origin: unknown.

Labcorp Genetics (formerly Invitae), Labcorp
Classification: Uncertain significance for Familial adenomatous polyposis 1. Last evaluated: 2022-02-18. Review status: criteria provided, single submitter. Criteria: Invitae Variant Classification Sherloc (09022015). Collection method: clinical testing. Allele origin: germline.
Comment: This sequence change replaces threonine, which is neutral and polar, with isoleucine, which is neutral and non-polar, at codon 2715 of the APC protein (p.Thr2715Ile). This variant is not present in population databases (gnomAD no frequency). This variant has not been reported in the literature in individuals affected with APC-related conditions. ClinVar contains an entry for this variant (Variation ID: 135722). Algorithms developed to predict the effect of missense changes on protein structure and function are either unavailable or do not agree on the potential impact of this missense change (SIFT: "Deleterious"; PolyPhen-2: "Benign"; Align-GVGD: "Class C0"). In summary, the available evidence is currently insufficient to determine the role of this variant in disease. Therefore, it has been classified as a Variant of Uncertain Significance.

GeneDx
Classification: Uncertain significance. Last evaluated: 2015-02-10. Review status: criteria provided, single submitter. Criteria: GeneDx Variant Classification (06012015). Collection method: clinical testing. Allele origin: germline. Affected: yes.
Comment: This variant is denoted APC c.8144C>T at the cDNA level, p.Thr2715Ile (T2715I) at the protein level, and results in the change of a Threonine to an Isoleucine (ACC>ATC). This variant has not, to our knowledge, been published in the literature as pathogenic or benign. APC Thr2715Ile was not observed in approximately 6,500 individuals of European and African American ancestry in the NHLBI Exome Sequencing Project, indicating it is not a common benign variant in these populations. Since Threonine and Isoleucine differ in polarity, charge, size or other properties, this is considered a non-conservative amino acid substitution. APC Thr2715Ile occurs at a position that is conserved across species and is located in the EB1 binding domain (Azzopardi 2008). In silico analyses are inconsistent regarding the effect this variant may have on protein structure and function. Based on currently available information, it is unclear whether APC Thr2715Ile is pathogenic or benign. We consider it to be a variant of uncertain significance.